The following is an entry in ClinVar:

ClinVar aggregate classification (germline): Uncertain significance (1 of 4 stars; one submission).

gnomAD v4.1: 23 of 1,613,984 alleles (0.0014%); highest among the groups gnomAD compares: Non-Finnish European, 0.0019%; no homozygotes.

Submission:

Labcorp Genetics (formerly Invitae), Labcorp
Classification: Uncertain significance. Last evaluated: 2021-10-25. Review status: criteria provided, single submitter. Criteria: Invitae Variant Classification Sherloc (09022015). Collection method: clinical testing. Allele origin: germline.
Comment: In summary, the available evidence is currently insufficient to determine the role of this variant in disease. Therefore, it has been classified as a Variant of Uncertain Significance. Algorithms developed to predict the effect of missense changes on protein structure and function output the following: SIFT: "Not Available"; PolyPhen-2: "Benign"; Align-GVGD: "Not Available". The histidine amino acid residue is found in multiple mammalian species, which suggests that this missense change does not adversely affect protein function. This variant has not been reported in the literature in individuals affected with FBN3-related conditions. This variant is present in population databases (rs755211619, gnomAD 0.002%). This sequence change replaces arginine, which is basic and polar, with histidine, which is basic and polar, at codon 2020 of the FBN3 protein (p.Arg2020His).

NM_032447.5(FBN3):c.6059G>A (p.Arg2020His)

Gene: FBN3 (fibrillin 3; minus strand). Cytogenetic location: 19p13.2.
Variant type: single nucleotide variant.
Coding change: c.6059G>A on transcript NM_032447.5 (MANE Select); coding-DNA position 6059, G replaced by A.
Protein change: p.Arg2020His; replaces arginine 2020 with histidine.
Molecular consequence: missense variant.
Genome position (GRCh38, 1-based): chr19:8,090,224, C>T on the plus strand (G>A on the coding strand, the complement: FBN3 is on the minus strand). VCF-style: chr19-8090224-C-T. GRCh37 (hg19) VCF-style: chr19-8155108-C-T.
Other names: c.6059G>A, p.Arg2020His (NM_001321431.2); short protein forms R2020H.
Identifiers: ClinVar variation 1351637 (VCV001351637.6), dbSNP rs755211619, ClinGen allele CA9151427.
Genomic context (GRCh38, chr19:8,090,224, plus strand): 5'-CAGCAGCGGGTCTTGGTGGTGTTGAAAGCTTTGGGCACCGAGCACTTCCCAGCCTCAAAA[C>T]GGGTGAAGCAGAAACTCTGCCGTGTGTCTGTGGGGTGGGGGCTCCATTACCCTGATTGAA-3'
Protein context (NP_115823.3, residues 2010-2030): FDTRQSFCFT[Arg2020His]FEAGKCSVPK